The following is an entry in ClinVar:

ClinVar aggregate classification (germline): Conflicting classifications of pathogenicity. Review status: criteria provided, conflicting classifications (1 of 4 stars). 5 submissions from 5 submitters: Pathogenic (2); Likely pathogenic (1); Uncertain significance (2). Last evaluated 2024-12-28.

Conditions:
Neurodevelopmental disorder. Identifiers: MedGen C1535926, MeSH D065886, MONDO:0700092.
Kleefstra syndrome 1 (KLEFS1). Identifiers: Orphanet 261494, MedGen C0795833, MONDO:0027407, OMIM 610253.

Submissions (5):

Labcorp Genetics (formerly Invitae), Labcorp
Classification: Pathogenic for Kleefstra syndrome 1. Last evaluated: 2024-12-28. Review status: criteria provided, single submitter. Criteria: Invitae Variant Classification Sherloc (09022015). Collection method: clinical testing. Allele origin: germline.
Comment: This sequence change creates a premature translational stop signal (p.Glu14Serfs*8) in the EHMT1 gene. It is expected to result in an absent or disrupted protein product. Loss-of-function variants in EHMT1 are known to be pathogenic (PMID: 16826528, 19264732). The frequency data for this variant in the population databases is considered unreliable, as metrics indicate poor data quality at this position in the gnomAD database. This variant has not been reported in the literature in individuals affected with EHMT1-related conditions. This premature translational stop signal has been observed in at least one individual who was not affected with EHMT1-related conditions (internal data). ClinVar contains an entry for this variant (Variation ID: 1457053). For these reasons, this variant has been classified as Pathogenic.

Laboratory of Molecular Genetics (Pr. Bezieau's lab), CHU de Nantes
Classification: Uncertain significance for Neurodevelopmental disorder. Last evaluated: 2023-10-11. Review status: criteria provided, single submitter. Criteria: ACMG Guidelines, 2015. Collection method: clinical testing. Allele origin: germline. Affected: yes.

GeneDx
Classification: Uncertain significance. Last evaluated: 2022-06-07. Review status: criteria provided, single submitter. Criteria: GeneDx Variant Classification Process June 2021. Collection method: clinical testing. Allele origin: germline. Affected: yes.
Comment: Frameshift variant predicted to result in protein truncation or nonsense mediated decay in a gene for which loss of function is a known mechanism of disease; Has not been previously published as pathogenic or benign to our knowledge

Juno Genomics, Hangzhou Juno Genomics, Inc
Classification: Likely pathogenic for Kleefstra syndrome 1. Review status: criteria provided, single submitter. Criteria: ACMG Guidelines, 2015. Collection method: clinical testing. Allele origin: germline.
Comment: Null variant in a gene where loss of function (LOF) is a known mechanism of disease.;Absent from controls (or at extremely low frequency if recessive) in Genome Aggregation Database.

Laboratory of Genetics, Children's Clinical University Hospital Latvia
Classification: Pathogenic for Kleefstra syndrome 1. Review status: criteria provided, single submitter. Criteria: ACMG Guidelines, 2015. Collection method: curation. Allele origin: inherited. Affected: yes.
Comment: inherited from a parent (affected or unaffected)

Literature cited by the submitters: PubMed 16826528 (cited by Labcorp Genetics (formerly Invitae), Labcorp); PubMed 19264732 (cited by Labcorp Genetics (formerly Invitae), Labcorp); PubMed 39013458 (cited by Laboratory of Genetics, Children's Clinical University Hospital Latvia).

NM_024757.5(EHMT1):c.40del (p.Glu14fs)

Gene: EHMT1 (euchromatic histone lysine methyltransferase 1; plus strand). Cytogenetic location: 9q34.3.
Variant type: Deletion.
Coding change: c.40del on transcript NM_024757.5 (MANE Select); coding-DNA position 40, one base deleted (G; older notation c.40delG).
Protein change: p.Glu14fs; shifts the reading frame from glutamic acid 14.
Molecular consequence: frameshift variant. On other transcripts: intron variant (2).
Genome position (GRCh38, 1-based): chr9:137,710,985, G deleted; the last of 6 consecutive G bases (chr9:137,710,980-137,710,985); deleting any one gives the same sequence. VCF-style (leftmost placement, unchanged base first): chr9-137710979-AG-A. GRCh37 (hg19) VCF-style: chr9-140605431-AG-A.
Other names: c.40del, p.Glu14fs (NM_001145527.2, NM_001354263.2, NM_001354611.2); c.-8-5641del (NM_001354259.2, NM_001354612.2); short protein forms E14fs.
Identifiers: ClinVar variation 1457053 (VCV001457053.11), dbSNP rs1564618717, ClinGen allele CA591242138.
Genomic context (GRCh38, chr9:137,710,979, plus strand): 5'-GCGGCCTCCCACTGAACCCGGCTGACGGCTGTTGTTTCTCTCTAACAGGCAGTTCCGGCG[AG>A]GGGGGAGCCTCAGCAGGATTGCTGTGTGAAAACCGAGCTGCTGGGAGAAGGTGAGGGCGG-3'